The following is an entry in ClinVar:

NM_006420.3(ARFGEF2):c.1808A>C (p.Asp603Ala)

Gene: ARFGEF2 (ARF guanine nucleotide exchange factor 2; plus strand). Cytogenetic location: 20q13.13.
Variant type: single nucleotide variant.
Coding change: c.1808A>C on transcript NM_006420.3 (MANE Select); coding-DNA position 1808, A replaced by C.
Protein change: p.Asp603Ala; replaces aspartic acid 603 with alanine.
Molecular consequence: missense variant.
Genome position (GRCh38, 1-based): chr20:48,976,049, A>C. VCF-style: chr20-48976049-A-C. GRCh37 (hg19) VCF-style: chr20-47592586-A-C.
Other names: short protein forms D603A.
Identifiers: ClinVar variation 1337563 (VCV001337563.4), dbSNP rs1600626622, ClinGen allele CA409331812.

ClinVar aggregate classification (germline): Uncertain significance (1 of 4 stars; one submission).

Submission:

Genetic Services Laboratory, University of Chicago
Classification: Uncertain significance. Last evaluated: 2020-03-04. Review status: criteria provided, single submitter. Criteria: ACMG Guidelines, 2015. Collection method: clinical testing. Allele origin: germline. Affected: no.
Comment: DNA sequence analysis of the ARFGEF2 gene demonstrated a sequence change, c.1808A>C, in exon 14 that results in an amino acid change, p.Asp603Ala. This sequence change does not appear to have been previously described in patients with ARFGEF2-related disorders.This sequence change is absent from the large population databases (ExAC and gnomAD). The p.Asp603Ala change affects a poorly conserved amino acid residue located in a domain of the ARFGEF2 protein that is not known to be functional. The p.Asp603Ala substitution appears to be benign using several in-silico pathogenicity prediction tools (SIFT, PolyPhen2, Align GVGD, REVEL). Due to these contrasting evidences and the lack of functional studies, the clinical significance of the p.Asp603Ala change remains unknown at this time.